The following is an entry in ClinVar:

NM_001165963.4(SCN1A):c.2725A>G (p.Met909Val)

Gene: SCN1A (sodium voltage-gated channel alpha subunit 1; minus strand). Cytogenetic location: 2q24.3.
Variant type: single nucleotide variant.
Coding change: c.2725A>G on transcript NM_001165963.4 (MANE Select); coding-DNA position 2725, A replaced by G.
Protein change: p.Met909Val; replaces methionine 909 with valine.
Molecular consequence: missense variant. On other transcripts: non-coding transcript variant (1).
Genome position (GRCh38, 1-based): chr2:166,037,997, T>C on the plus strand (A>G on the coding strand, the complement: SCN1A is on the minus strand). VCF-style: chr2-166037997-T-C. GRCh37 (hg19) VCF-style: chr2-166894507-T-C.
Other names: c.2641A>G, p.Met881Val (NM_001165964.3, NM_001353957.2, NM_001353958.2); c.2725A>G, p.Met909Val (NM_001202435.3, NM_001353948.2); c.2692A>G, p.Met898Val (NM_001353949.2, NM_001353950.2, NM_001353951.2 and 2 more transcripts); c.2689A>G, p.Met897Val (NM_001353954.2, NM_001353955.2); c.2638A>G, p.Met880Val (NM_001353960.2); c.283A>G, p.Met95Val (NM_001353961.2); short protein forms M897V, M880V, M898V, M881V, M909V, M95V.
Identifiers: ClinVar variation 2701943 (VCV002701943.3), dbSNP rs2468098506, ClinGen allele CA349061521.
Genomic context (GRCh38, chr2:166,037,997, plus strand): 5'-GTTGACAATCACTGGCGATCTTGCAGACACAATCTTTGTAGCTTTTACCAAAGAGCTGCA[T>C]GCCGACCACGGCAAAAATGAAGACGATGATGGCCAAGACGAGGGTTAAATTTCCCAGAGC-3'
Protein context (NP_001159435.1, residues 899-919): IIVFIFAVVG[Met909Val]QLFGKSYKDC

ClinVar aggregate classification (germline): Uncertain significance (1 of 4 stars; one submission).

Conditions:
Early-infantile DEE. Also called: Ohtahara syndrome; Early infantile epileptic encephalopathy with suppression bursts; Early infantile epileptic encephalopathy. Identifiers: Orphanet 1934, MedGen C0393706, MONDO:0800491.

Submission:

Labcorp Genetics (formerly Invitae), Labcorp
Classification: Uncertain significance for Early-infantile DEE. Last evaluated: 2023-12-17. Review status: criteria provided, single submitter. Criteria: Invitae Variant Classification Sherloc (09022015). Collection method: clinical testing. Allele origin: germline.
Comment: This sequence change replaces methionine, which is neutral and non-polar, with valine, which is neutral and non-polar, at codon 909 of the SCN1A protein (p.Met909Val). This variant is not present in population databases (gnomAD no frequency). This variant has not been reported in the literature in individuals affected with SCN1A-related conditions. Advanced modeling of protein sequence and biophysical properties (such as structural, functional, and spatial information, amino acid conservation, physicochemical variation, residue mobility, and thermodynamic stability) performed at Invitae indicates that this missense variant is expected to disrupt SCN1A protein function with a positive predictive value of 95%. In summary, the available evidence is currently insufficient to determine the role of this variant in disease. Therefore, it has been classified as a Variant of Uncertain Significance.